The following is an entry in ClinVar:

NM_032119.4(ADGRV1):c.11722G>A (p.Asp3908Asn)

Gene: ADGRV1 (adhesion G protein-coupled receptor V1; plus strand). Cytogenetic location: 5q14.3.
Variant type: single nucleotide variant.
Coding change: c.11722G>A on transcript NM_032119.4 (MANE Select); coding-DNA position 11722, G replaced by A.
Protein change: p.Asp3908Asn; replaces aspartic acid 3908 with asparagine.
Molecular consequence: missense variant. On other transcripts: non-coding transcript variant (1).
Genome position (GRCh38, 1-based): chr5:90,756,595, G>A. VCF-style: chr5-90756595-G-A. GRCh37 (hg19) VCF-style: chr5-90052412-G-A.
Other names: short protein forms D3908N.
Identifiers: ClinVar variation 963720 (VCV000963720.7), dbSNP rs749544658, ClinGen allele CA122799024.

ClinVar aggregate classification (germline): Uncertain significance (1 of 4 stars; one submission).

Allele frequency attached by ClinVar (database versions not stated): gnomAD exomes below 0.00001 and 0.00002.
gnomAD v4.1: 26 of 1,613,618 alleles (0.0016%); highest among the groups gnomAD compares: Non-Finnish European, 0.0022%; no homozygotes.

Submission:

Labcorp Genetics (formerly Invitae), Labcorp
Classification: Uncertain significance. Last evaluated: 2021-09-01. Review status: criteria provided, single submitter. Criteria: Invitae Variant Classification Sherloc (09022015). Collection method: clinical testing. Allele origin: germline.
Comment: This sequence change replaces aspartic acid with asparagine at codon 3908 of the ADGRV1 protein (p.Asp3908Asn). The aspartic acid residue is moderately conserved and there is a small physicochemical difference between aspartic acid and asparagine. This variant is not present in population databases (ExAC no frequency). This variant has not been reported in the literature in individuals affected with ADGRV1-related conditions. Algorithms developed to predict the effect of missense changes on protein structure and function are either unavailable or do not agree on the potential impact of this missense change (SIFT: "Deleterious"; PolyPhen-2: "Probably Damaging"; Align-GVGD: "Class C0"). In summary, the available evidence is currently insufficient to determine the role of this variant in disease. Therefore, it has been classified as a Variant of Uncertain Significance.